The following is an entry in ClinVar:

ClinVar aggregate classification (germline): Uncertain significance. Review status: criteria provided, multiple submitters, no conflicts (2 of 4 stars). 2 submissions from 2 submitters: Uncertain significance (2). Last evaluated 2025-04-13.

Allele frequency attached by ClinVar (database versions not stated): gnomAD exomes 0.00002.
gnomAD v4.1: 33 of 1,614,070 alleles (0.002%); highest among the groups gnomAD compares: Admixed American, 0.01%; no homozygotes.

Submissions (2):

Ambry Genetics
Classification: Uncertain significance. Last evaluated: 2025-04-13. Review status: criteria provided, single submitter. Criteria: Ambry Variant Classification Scheme 2023. Collection method: clinical testing. Allele origin: germline.

GeneDx
Classification: Uncertain significance. Last evaluated: 2024-12-02. Review status: criteria provided, single submitter. Criteria: GeneDx Variant Classification Process June 2021. Collection method: clinical testing. Allele origin: germline. Affected: yes.
Comment: In silico analysis indicates that this missense variant does not alter protein structure/function; Has not been previously published as pathogenic or benign to our knowledge

NM_001042603.3(KDM5A):c.1889G>A (p.Gly630Glu)

Gene: KDM5A (lysine demethylase 5A; minus strand). Cytogenetic location: 12p13.33.
Variant type: single nucleotide variant.
Coding change: c.1889G>A on transcript NM_001042603.3 (MANE Select); coding-DNA position 1889, G replaced by A.
Protein change: p.Gly630Glu; replaces glycine 630 with glutamic acid.
Molecular consequence: missense variant.
Genome position (GRCh38, 1-based): chr12:328,914, C>T on the plus strand (G>A on the coding strand, the complement: KDM5A is on the minus strand). VCF-style: chr12-328914-C-T. GRCh37 (hg19) VCF-style: chr12-438080-C-T.
Other names: short protein forms G630E.
Identifiers: ClinVar variation 3113838 (VCV003113838.3), dbSNP rs199879384, ClinGen allele CA6379220.